The following is an entry in ClinVar:

ClinVar aggregate classification (germline): Uncertain significance (1 of 4 stars; one submission).

Conditions:
Infantile spasms. Also called: Infantile spasm. Identifiers: MedGen C3887898, HP:0012469.

Submission:

Labcorp Genetics (formerly Invitae), Labcorp
Classification: Uncertain significance for Infantile spasms. Last evaluated: 2024-11-24. Review status: criteria provided, single submitter. Criteria: Invitae Variant Classification Sherloc (09022015). Collection method: clinical testing. Allele origin: germline.
Comment: This sequence change replaces isoleucine, which is neutral and non-polar, with valine, which is neutral and non-polar, at codon 260 of the PIK3AP1 protein (p.Ile260Val). This variant is not present in population databases (gnomAD no frequency). This variant has not been reported in the literature in individuals affected with PIK3AP1-related conditions. An algorithm developed to predict the effect of missense changes on protein structure and function outputs the following: PolyPhen-2: "Benign". The valine amino acid residue is found in multiple mammalian species, which suggests that this missense change does not adversely affect protein function. In summary, the available evidence is currently insufficient to determine the role of this variant in disease. Therefore, it has been classified as a Variant of Uncertain Significance.

NM_152309.3(PIK3AP1):c.778A>G (p.Ile260Val)

Gene: PIK3AP1 (phosphoinositide-3-kinase adaptor protein 1; minus strand). Cytogenetic location: 10q24.1.
Variant type: single nucleotide variant.
Coding change: c.778A>G on transcript NM_152309.3 (MANE Select); coding-DNA position 778, A replaced by G.
Protein change: p.Ile260Val; replaces isoleucine 260 with valine.
Molecular consequence: missense variant.
Genome position (GRCh38, 1-based): chr10:96,651,586, T>C on the plus strand (A>G on the coding strand, the complement: PIK3AP1 is on the minus strand). VCF-style: chr10-96651586-T-C. GRCh37 (hg19) VCF-style: chr10-98411343-T-C.
Other names: short protein forms I260V.
Identifiers: ClinVar variation 3725359 (VCV003725359.2).